The following is an entry in ClinVar:

NM_004183.4(BEST1):c.914T>C (p.Phe305Ser)

Gene: BEST1 (bestrophin 1; plus strand). Cytogenetic location: 11q12.3.
Variant type: single nucleotide variant.
Coding change: c.914T>C on transcript NM_004183.4 (MANE Select); coding-DNA position 914, T replaced by C.
Protein change: p.Phe305Ser; replaces phenylalanine 305 with serine.
Molecular consequence: missense variant. On other transcripts: synonymous variant (1), non-coding transcript variant (1), intron variant (1).
Genome position (GRCh38, 1-based): chr11:61,959,544, T>C. VCF-style: chr11-61959544-T-C. GRCh37 (hg19) VCF-style: chr11-61727016-T-C.
Other names: c.734T>C, p.Phe245Ser (NM_001139443.3, NM_001300787.2); c.596T>C, p.Phe199Ser (NM_001363591.3); c.1117T>C, p.Leu373= (NM_001363592.2); c.-59T>C (NM_001363593.3); c.688-348T>C (NM_001300786.2); short protein forms F305S, F245S, F199S.
Identifiers: ClinVar variation 99778 (VCV000099778.11), dbSNP rs281865265, ClinGen allele CA227850.
Genomic context (GRCh38, chr11:61,959,544, plus strand): 5'-CACCTGTCCCCAAGGTGGCAGAGCAGCTCATCAACCCCTTTGGAGAGGATGATGATGATT[T>C]TGAGACCAACTGGATTGTCGACAGGAATTTGCAGGTATGGGGAGAGGGAGAGAAACCATA-3'
Protein context (NP_004174.1, residues 295-315): INPFGEDDDD[Phe305Ser]ETNWIVDRNL

ClinVar aggregate classification (germline): Pathogenic/Likely pathogenic. Review status: criteria provided, multiple submitters, no conflicts (2 of 4 stars). 6 submissions from 6 submitters: Pathogenic (2); Likely pathogenic (3). 1 of the submissions does not count toward it. Last evaluated 2026-08-17.

Conditions:
Retinal dystrophy. Also called: Inherited retinal dystrophy. Identifiers: Orphanet 71862, MedGen C0854723, MeSH D058499, MONDO:0019118, HP:0000556.
Retinal disorder. Also called: Retinopathy; Retinal disorders; Retinopathies; Retinal Diseases. Identifiers: MedGen C0035309, MONDO:0005283, HP:0000488.
BEST1-related disorder. Also called: BEST1-related condition; BEST1-related disorders. Identifiers: MedGen CN239200.

Allele frequency attached by ClinVar (database versions not stated): gnomAD exomes below 0.00001.
gnomAD v4.1: 1 of 1,614,160 alleles (0.000062%); highest among the groups gnomAD compares: Non-Finnish European, 0.000085%; no homozygotes.

Submissions (6):

Genetics Laboratory, Great Ormond Street Hospital NHS Foundation Trust, North Thames Genomic Laboratory Hub
Classification: Likely pathogenic for Retinal disorders. Last evaluated: 2026-08-17. Review status: criteria provided, single submitter. Criteria: ACGS Best Practice Guidelines for Variant Classification in Rare Disease 2024 v1.2. Collection method: clinical testing. Allele origin: germline. Affected: yes.
Comment: PS4_moderate, PM2_moderate, PP3_supporting, PS3_moderate

Labcorp Genetics (formerly Invitae), Labcorp
Classification: Pathogenic. Last evaluated: 2025-08-04. Review status: criteria provided, single submitter. Criteria: Invitae Variant Classification Sherloc (09022015). Collection method: clinical testing. Allele origin: germline.
Comment: This sequence change replaces phenylalanine, which is neutral and non-polar, with serine, which is neutral and polar, at codon 305 of the BEST1 protein (p.Phe305Ser). This variant is not present in population databases (gnomAD no frequency). This missense change has been observed in individuals with autosomal dominant Best disease (PMID: 9700209, 21921978, 31455904). It has also been observed to segregate with disease in related individuals. ClinVar contains an entry for this variant (Variation ID: 99778). Invitae Evidence Modeling of protein sequence and biophysical properties (such as structural, functional, and spatial information, amino acid conservation, physicochemical variation, residue mobility, and thermodynamic stability) indicates that this missense variant is expected to disrupt BEST1 protein function with a positive predictive value of 95%. Experimental studies have shown that this missense change affects BEST1 function (PMID: 21878505, 29668979). For these reasons, this variant has been classified as Pathogenic.

North West Genomic Laboratory Hub, Manchester University NHS Foundation Trust
Classification: Likely pathogenic for Retinal disorders. Last evaluated: 2025-02-10. Review status: criteria provided, single submitter. Criteria: ACGS Best Practice Guidelines for Variant Classification in Rare Disease 2024. Collection method: clinical testing. Allele origin: germline. Affected: yes.
Comment: PP4_Supp PS4_Mod PM2_Mod PP3_Supp

Blueprint Genetics
Classification: Likely pathogenic for BEST1-related disorders. Last evaluated: 2020-11-11. Review status: criteria provided, single submitter. Criteria: ACMG Guidelines, 2015. Collection method: clinical testing. Allele origin: germline. Affected: yes. Observed: 2 variant alleles.

Institute of Human Genetics, Univ. Regensburg, Univ. Regensburg
Classification: Pathogenic for Retinal dystrophy. Last evaluated: 2005-01-01. Review status: criteria provided, single submitter. Criteria: ACMG Guidelines, 2015. Collection method: clinical testing. Allele origin: germline. Affected: yes.

Retina International
No classification provided. Review status: no classification provided. Collection method: not provided. Allele origin: not provided. Not counted in ClinVar's aggregate classification.

Literature cited by the submitters: PubMed 9700209 (cited by Labcorp Genetics (formerly Invitae), Labcorp and Institute of Human Genetics, Univ. Regensburg, Univ. Regensburg); PubMed 21921978 (cited by Labcorp Genetics (formerly Invitae), Labcorp); PubMed 31455904 (cited by Labcorp Genetics (formerly Invitae), Labcorp and Institute of Human Genetics, Univ. Regensburg, Univ. Regensburg); PubMed 21878505 (cited by Labcorp Genetics (formerly Invitae), Labcorp and Institute of Human Genetics, Univ. Regensburg, Univ. Regensburg); PubMed 29668979 (cited by Labcorp Genetics (formerly Invitae), Labcorp and Institute of Human Genetics, Univ. Regensburg, Univ. Regensburg).